The following is an entry in ClinVar:

NM_001759.4(CCND2):c.812C>A (p.Ser271Ter)

Gene: CCND2 (cyclin D2; plus strand). Cytogenetic location: 12p13.32.
Variant type: single nucleotide variant.
Coding change: c.812C>A on transcript NM_001759.4 (MANE Select); coding-DNA position 812, C replaced by A.
Protein change: p.Ser271Ter; replaces serine 271 with a stop codon.
Molecular consequence: nonsense.
Genome position (GRCh38, 1-based): chr12:4,299,951, C>A. VCF-style: chr12-4299951-C-A. GRCh37 (hg19) VCF-style: chr12-4409117-C-A.
Other names: short protein forms S271*.
Identifiers: ClinVar variation 2504114 (VCV002504114.4), dbSNP rs776036883, ClinGen allele CA383413678.

ClinVar aggregate classification (germline): Likely pathogenic. Review status: criteria provided, multiple submitters, no conflicts (2 of 4 stars). 2 submissions from 2 submitters: Likely pathogenic (2). Last evaluated 2024-11-18.

Conditions:
Megalencephaly-polymicrogyria-polydactyly-hydrocephalus syndrome 3 (MPPH3). Identifiers: Orphanet 83473, MedGen C4014742, MONDO:0014408, OMIM 615938.

gnomAD v4.1: 6 of 1,613,962 alleles (0.00037%); highest among the groups gnomAD compares: African/African-American, 0.0013%; no homozygotes.

Submissions (2):

Labcorp Genetics (formerly Invitae), Labcorp
Classification: Likely pathogenic. Last evaluated: 2024-11-18. Review status: criteria provided, single submitter. Criteria: Invitae Variant Classification Sherloc (09022015). Collection method: clinical testing. Allele origin: germline.
Comment: This sequence change creates a premature translational stop signal (p.Ser271*) in the CCND2 gene. While this is not anticipated to result in nonsense mediated decay, it is expected to disrupt the last 19 amino acid(s) of the CCND2 protein. This variant is not present in population databases (gnomAD no frequency). This premature translational stop signal has been observed in individual(s) with clinical features of megalencephaly-polymicrogyria-polydactyly-hydrocephalus syndrome (internal data). In at least one individual the variant was observed to be de novo. ClinVar contains an entry for this variant (Variation ID: 2504114). In summary, the currently available evidence indicates that the variant is pathogenic, but additional data are needed to prove that conclusively. Therefore, this variant has been classified as Likely Pathogenic.

Human Genome Lab, NIMHANS, National Institute of Mental Health and Neuro Sciences
Classification: Likely pathogenic for Megalencephaly-polymicrogyria-polydactyly-hydrocephalus syndrome 3. Review status: criteria provided, single submitter. Criteria: ACMG Guidelines, 2015. Collection method: clinical testing. Allele origin: germline. Inheritance: Autosomal dominant inheritance. Affected: yes. Observed: 1 heterozygote.
Comment: The stop gained NM_001759.4(CCND2):c.812C>A (p.Ser271Ter) has not been reported previously as a pathogenic variant nor as a benign variant, to our knowledge. The p.Ser271Ter variant is novel (not in any individuals) in 1kG All. The p.Ser271Ter variant is novel (not in any individuals) in gnomAD as well as in our inhouse database. This variant is predicted to cause loss of normal protein function through protein truncation. There are 2 downstream pathogenic loss of function variants, with the furthest variant being 6 residues downstream of this variant. This indicates that the region is critical to protein function. The gene CCND2 has a low rate of benign loss of function variants as indicated by a low upper bound of the observed/expected confidence interval 0.23. The p.Ser271Ter variant is a loss of function variant in the gene CCND2, which is intolerant of Loss of Function variants, as indicated by the presence of existing pathogenic loss of function variant NP_001750.1:p.Q265* and 2 others. In addition, the clinical phenotype of the proband matches with that of the disorder caused by pathogenic variants in CCND2 gene. For these reasons, this variant has been classified as Likely Pathogenic.